The following is an entry in ClinVar:

ClinVar aggregate classification (germline): Uncertain significance (1 of 4 stars; one submission).

Conditions:
Familial cancer of breast. Also called: BREAST CANCER, FAMILIAL; Hereditary breast cancer; hereditary breast carcinoma. Identifiers: Orphanet 227535, MedGen C0346153, MONDO:0016419, OMIM 114480. Disease mechanism: loss of function.
Fanconi anemia complementation group J. Also called: BRIP1-Related Fanconi Anemia. Identifiers: Orphanet 84, MedGen C1836860, MONDO:0012187, OMIM 609054.

Submission:

Labcorp Genetics (formerly Invitae), Labcorp
Classification: Uncertain significance for Familial cancer of breast; Fanconi anemia complementation group J. Last evaluated: 2024-11-18. Review status: criteria provided, single submitter. Criteria: Invitae Variant Classification Sherloc (09022015). Collection method: clinical testing. Allele origin: germline.
Comment: This sequence change replaces alanine, which is neutral and non-polar, with serine, which is neutral and polar, at codon 597 of the BRIP1 protein (p.Ala597Ser). This variant is not present in population databases (gnomAD no frequency). This variant has not been reported in the literature in individuals affected with BRIP1-related conditions. ClinVar contains an entry for this variant (Variation ID: 1379227). Invitae Evidence Modeling of protein sequence and biophysical properties (such as structural, functional, and spatial information, amino acid conservation, physicochemical variation, residue mobility, and thermodynamic stability) has been performed for this missense variant. However, the output from this modeling did not meet the statistical confidence thresholds required to predict the impact of this variant on BRIP1 protein function. In summary, the available evidence is currently insufficient to determine the role of this variant in disease. Therefore, it has been classified as a Variant of Uncertain Significance.

NM_032043.3(BRIP1):c.1789G>T (p.Ala597Ser)

Gene: BRIP1 (BRCA1 interacting DNA helicase 1; minus strand). Cytogenetic location: 17q23.2.
Variant type: single nucleotide variant.
Coding change: c.1789G>T on transcript NM_032043.3 (MANE Select); coding-DNA position 1789, G replaced by T.
Protein change: p.Ala597Ser; replaces alanine 597 with serine.
Molecular consequence: missense variant.
Genome position (GRCh38, 1-based): chr17:61,780,845, C>A on the plus strand (G>T on the coding strand, the complement: BRIP1 is on the minus strand). VCF-style: chr17-61780845-C-A. GRCh37 (hg19) VCF-style: chr17-59858206-C-A.
Other names: short protein forms A597S.
Identifiers: ClinVar variation 1379227 (VCV001379227.7), dbSNP rs2077606219, ClinGen allele CA400480251.